The following is an entry in ClinVar:

ClinVar aggregate classification (germline): Uncertain significance (1 of 4 stars; one submission).

Submission:

Ambry Genetics
Classification: Uncertain significance. Last evaluated: 2026-03-06. Review status: criteria provided, single submitter. Criteria: Ambry Variant Classification Scheme 2023. Collection method: clinical testing. Allele origin: germline.
Comment: The p.A693T variant (also known as c.2077G>A), located in coding exon 14 of the RINT1 gene, results from a G to A substitution at nucleotide position 2077. The alanine at codon 693 is replaced by threonine, an amino acid with similar properties. This amino acid position is conserved. In addition, this alteration is predicted to be tolerated by in silico analysis. Based on the available evidence, the clinical significance of this variant remains unclear.

NM_021930.6(RINT1):c.2077G>A (p.Ala693Thr)

Genes: EFCAB10 (EF-hand calcium binding domain 10; minus strand), RINT1 (RAD50 interactor 1; plus strand). Cytogenetic location: 7q22.3.
Variant type: single nucleotide variant.
Coding change: c.2077G>A on transcript NM_021930.6 (MANE Select); coding-DNA position 2077, G replaced by A.
Protein change: p.Ala693Thr; replaces alanine 693 with threonine.
Molecular consequence: missense variant. On other transcripts: 3 prime UTR variant (1), non-coding transcript variant (1), intron variant (2).
Genome position (GRCh38, 1-based): chr7:105,565,539, G>A. VCF-style: chr7-105565539-G-A. GRCh37 (hg19) VCF-style: chr7-105205986-G-A.
Other names: c.*10C>T (NM_001355530.2); c.1843G>A, p.Ala615Thr (NM_001346599.2); c.1054G>A, p.Ala352Thr (NM_001346600.2, NM_001346603.2); c.1153G>A, p.Ala385Thr (NM_001346601.2); c.360-92C>T (NM_001355531.2); c.384-92C>T (NM_001355526.2); short protein forms A385T, A693T, A352T, A615T.
Identifiers: ClinVar variation 4844070 (VCV004844070.1).
Genomic context (GRCh38, chr7:105,565,539, plus strand): 5'-TTGGGCTGTGATAATAAAGACAACTGTTATATGAATTATTCTTTGTTTCAGATAATTCTT[G>A]CTAATCACTTCAATGAAGGAGGAGCAGCCCAGCTGCAGTTTGATATGACTCGGAATCTTT-3'
Protein context (NP_068749.3, residues 683-703): DVYIYQEIIL[Ala693Thr]NHFNEGGAAQ